The following is an entry in ClinVar:

NM_003482.4(KMT2D):c.9126_9149del (p.Asn3043_Leu3050del)

Gene: KMT2D (lysine methyltransferase 2D; minus strand). Cytogenetic location: 12q13.12.
Variant type: Deletion.
Coding change: c.9126_9149del on transcript NM_003482.4 (MANE Select); coding-DNA positions 9126 to 9149, 24 bases deleted (CAATGGAGACGAGTTTGACCTGCT).
Protein change: p.Asn3043_Leu3050del.
Genome position (GRCh38, 1-based): chr12:49,038,207-49,038,230, AGCAGGTCAAACTCGTCTCCATTG deleted on the plus strand (CAATGGAGACGAGTTTGACCTGCT on the coding strand, the reverse complement: KMT2D is on the minus strand); deleting any 24 consecutive bases within chr12:49,038,207-49,038,239 gives the same sequence; the c. name uses the placement nearest the transcript's 3' end. VCF-style (leftmost placement, unchanged base first): chr12-49038206-CAGCAGGTCAAACTCGTCTCCATTG-C. GRCh37 (hg19) VCF-style: chr12-49431989-CAGCAGGTCAAACTCGTCTCCATTG-C.
Identifiers: ClinVar variation 3633240 (VCV003633240.2).
Genomic context (GRCh38, chr12:49,038,206, plus strand): 5'-CAGGTGCTCATTGAAGATATCCTTCTTGTCCCCAGTGTCCAGCTCAGGATCAGTATATGC[CAGCAGGTCAAACTCGTCTCCATTG>C]AGCAGGTCATCCAAGTGGGGGTCATTGGTCTCCAGGTTTTCTAAGGTGCCAAGTTCATCA-3'

ClinVar aggregate classification (germline): Pathogenic (1 of 4 stars; one submission).

Conditions:
Kabuki syndrome. Also called: Kabuki make-up syndrome; NIIKAWA-KUROKI SYNDROME. Identifiers: Orphanet 2322, MedGen C0796004, MONDO:0016512.

Submission:

Labcorp Genetics (formerly Invitae), Labcorp
Classification: Pathogenic for Kabuki syndrome. Last evaluated: 2024-02-02. Review status: criteria provided, single submitter. Criteria: Invitae Variant Classification Sherloc (09022015). Collection method: clinical testing. Allele origin: germline.
Comment: This variant, c.9126_9149del, results in the deletion of 8 amino acid(s) of the KMT2D protein (p.Asn3043_Leu3050del), but otherwise preserves the integrity of the reading frame. This variant is not present in population databases (gnomAD no frequency). This variant has not been reported in the literature in individuals affected with KMT2D-related conditions. Experimental studies and prediction algorithms are not available or were not evaluated, and the functional significance of this variant is currently unknown. This variant disrupts a region of the KMT2D protein in which other variant(s) (p.Asp3048His) have been determined to be pathogenic (PMID: 36028527). This suggests that this is a clinically significant region of the protein, and that variants that disrupt it are likely to be disease-causing. For these reasons, this variant has been classified as Pathogenic.

Literature cited by the submitters: PubMed 36028527.